The following is an entry in ClinVar:

ClinVar aggregate classification (germline): Conflicting classifications of pathogenicity. Review status: criteria provided, conflicting classifications (1 of 4 stars). 6 submissions from 6 submitters: Uncertain significance (2); Likely benign (4). Last evaluated 2025-10-27.

Conditions:
Hereditary cancer-predisposing syndrome. Also called: Hereditary Cancer Syndrome; Neoplastic Syndromes, Hereditary; Tumor predisposition; Hereditary neoplastic syndrome. Identifiers: Orphanet 140162, MedGen C0027672, MeSH D009386, MONDO:0015356.
ATM-related disorder. Also called: ATM-related disorders; ATM-related condition.
Ataxia-telangiectasia syndrome (AT). Also called: Ataxia telangiectasia (A-T); Ataxia-telangiectasia, complementation group E; LOUIS-BAR SYNDROME; Cerebello-oculocutaneous telangiectasia; Immunodeficiency with ataxia telangiectasia; Ataxia-telangiectasia, complementation group D. Identifiers: Orphanet 100, MedGen C0004135, MONDO:0008840, OMIM 208900.
Familial cancer of breast. Also called: Hereditary breast cancer; hereditary breast carcinoma; BREAST CANCER, FAMILIAL. Identifiers: Orphanet 227535, MedGen C0346153, MONDO:0016419, OMIM 114480. Disease mechanism: loss of function.

Allele frequency attached by ClinVar (database versions not stated): gnomAD exomes below 0.00001 and 0.00001; gnomAD 0.00001; TOPMed 0.00001; ExAC 0.00002; ESP Exome Variant Server 0.00008.
gnomAD v4.1: 3 of 1,613,024 alleles (0.00019%); highest among the groups gnomAD compares: Non-Finnish European, 0.00025%; no homozygotes.

Submissions (6):

Labcorp Genetics (formerly Invitae), Labcorp
Classification: Likely benign for Ataxia-telangiectasia syndrome. Last evaluated: 2025-10-27. Review status: criteria provided, single submitter. Criteria: Invitae Variant Classification Sherloc (09022015). Collection method: clinical testing. Allele origin: germline.

Myriad Genetics, Inc.
Classification: Likely benign for Familial cancer of breast. Last evaluated: 2024-05-22. Review status: criteria provided, single submitter. Criteria: Myriad Autosomal Dominant, Autosomal Recessive and X-Linked Classification Criteria (2023). Collection method: clinical testing. Allele origin: unknown.
Comment: This variant is considered likely benign. This variant is intronic and is not expected to impact mRNA splicing.

PreventionGenetics, part of Exact Sciences
Classification: Uncertain significance for ATM-related condition. Last evaluated: 2023-05-09. Review status: criteria provided, single submitter. Criteria: ACMG Guidelines, 2015. Collection method: clinical testing. Allele origin: germline.
Comment: The ATM c.5319+3C>A variant is predicted to interfere with splicing. To our knowledge, this variant has not been reported in the literature. This variant is reported in 0.0026% of alleles in individuals of European (Non-Finnish) descent in gnomAD. Although we suspect that this variant may be benign, at this time, the clinical significance of this variant is uncertain due to the absence of conclusive functional and genetic evidence.

Color Diagnostics, LLC DBA Color Health
Classification: Uncertain significance for Hereditary cancer-predisposing syndrome. Last evaluated: 2023-01-23. Review status: criteria provided, single submitter. Criteria: ACMG Guidelines, 2015. Collection method: clinical testing. Allele origin: germline.
Comment: This variant causes a C>A nucleotide substitution at the +3 position of intron 35 of the ATM gene. To our knowledge, functional studies have not been performed for this variant. This variant has not been reported in individuals affected with hereditary cancer in the literature. This variant has been identified in 3/250658 chromosomes in the general population by the Genome Aggregation Database (gnomAD). The available evidence is insufficient to determine the role of this variant in disease conclusively. Therefore, this variant is classified as a Variant of Uncertain Significance.

Ambry Genetics
Classification: Likely benign for Hereditary cancer-predisposing syndrome. Last evaluated: 2020-10-19. Review status: criteria provided, single submitter. Criteria: Ambry Variant Classification Scheme 2023. Collection method: clinical testing. Allele origin: germline.

GeneDx
Classification: Likely benign. Last evaluated: 2018-04-06. Review status: criteria provided, single submitter. Criteria: GeneDx Variant Classification (06012015). Collection method: clinical testing. Allele origin: germline. Affected: yes.
Comment: This variant is considered likely benign or benign based on one or more of the following criteria: it is a conservative change, it occurs at a poorly conserved position in the protein, it is predicted to be benign by multiple in silico algorithms, and/or has population frequency not consistent with disease.

NM_000051.4(ATM):c.5319+3C>A

Gene: ATM (ATM serine/threonine kinase; plus strand). Cytogenetic location: 11q22.3.
Variant type: single nucleotide variant.
Coding change: c.5319+3C>A on transcript NM_000051.4 (MANE Select); 3 bases into the intron after coding-DNA position 5319, C replaced by A.
Molecular consequence: intron variant.
Genome position (GRCh38, 1-based): chr11:108,301,792, C>A. VCF-style: chr11-108301792-C-A. GRCh37 (hg19) VCF-style: chr11-108172519-C-A.
Other names: c.5319+3C>A (NM_001351834.2).
Identifiers: ClinVar variation 231492 (VCV000231492.20), dbSNP rs371640963, ClinGen allele CA6265670.